The following is an entry in ClinVar:

NM_001374385.1(ATP8B1):c.3747G>A (p.Gly1249=)

Genes: ATP8B1 (ATPase phospholipid transporting 8B1; minus strand), ATP8B1-AS1 (ATP8B1 antisense RNA 1; plus strand). Cytogenetic location: 18q21.31.
Variant type: single nucleotide variant.
Coding change: c.3747G>A on transcript NM_001374385.1 (MANE Select); coding-DNA position 3747, G replaced by A.
Protein change: p.Gly1249=; no amino-acid change (glycine 1249 retained).
Molecular consequence: synonymous variant.
Genome position (GRCh38, 1-based): chr18:57,648,497, C>T on the plus strand (G>A on the coding strand, the complement: ATP8B1 is on the minus strand). VCF-style: chr18-57648497-C-T. GRCh37 (hg19) VCF-style: chr18-55315729-C-T.
Other names: c.3747G>A (NM_005603.4); c.3597G>A, p.Gly1199= (NM_001374386.1); c.3747G>A, p.Gly1249= (NM_005603.6).
Identifiers: ClinVar variation 3005711 (VCV003005711.4), dbSNP rs985232603, ClinGen allele CA300864134.

ClinVar aggregate classification (germline): Likely benign. Review status: criteria provided, multiple submitters, no conflicts (2 of 4 stars). 2 submissions from 2 submitters: Likely benign (2). Last evaluated 2026-01-09.

Conditions:
ATP8B1-related disorder. Also called: ATP8B1-related condition; ATP8B1-related disorders.

Allele frequency attached by ClinVar (database versions not stated): gnomAD 0.00002; TOPMed 0.00003.
gnomAD v4.1: 29 of 1,611,130 alleles (0.0018%); highest among the groups gnomAD compares: Admixed American, 0.0067%; no homozygotes.

Submissions (2):

Labcorp Genetics (formerly Invitae), Labcorp
Classification: Likely benign. Last evaluated: 2026-01-09. Review status: criteria provided, single submitter. Criteria: Invitae Variant Classification Sherloc (09022015). Collection method: clinical testing. Allele origin: germline.

PreventionGenetics, part of Exact Sciences
Classification: Likely benign for ATP8B1-related condition. Last evaluated: 2025-05-23. Review status: criteria provided, single submitter. Criteria: ACMG Guidelines, 2015. Collection method: clinical testing. Allele origin: germline.
Comment: This variant is classified as likely benign based on ACMG/AMP sequence variant interpretation guidelines (Richards et al. 2015 PMID: 25741868, with internal and published modifications).